The following is an entry in ClinVar:

ClinVar aggregate classification (germline): Uncertain significance (1 of 4 stars; one submission).

Conditions:
Dilated cardiomyopathy 1G (CMD1G). Identifiers: Orphanet 154, MedGen C1858763, MONDO:0011400, OMIM 604145.
Autosomal recessive limb-girdle muscular dystrophy type 2J (LGMDR10). Also called: Limb-girdle muscular dystrophy, type 2J; MUSCULAR DYSTROPHY, LIMB-GIRDLE, AUTOSOMAL RECESSIVE 10. Identifiers: Orphanet 140922, MedGen C1837342, MONDO:0012127, OMIM 608807.

Allele frequency attached by ClinVar (database versions not stated): TOPMed 0.00001.
gnomAD v4.1: 5 of 1,613,652 alleles (0.00031%); highest among the groups gnomAD compares: Non-Finnish European, 0.00034%; no homozygotes.

Submission:

Labcorp Genetics (formerly Invitae), Labcorp
Classification: Uncertain significance for Dilated cardiomyopathy 1G; Autosomal recessive limb-girdle muscular dystrophy type 2J. Last evaluated: 2025-03-25. Review status: criteria provided, single submitter. Criteria: Invitae Variant Classification Sherloc (09022015). Collection method: clinical testing. Allele origin: germline.
Comment: This sequence change replaces threonine, which is neutral and polar, with arginine, which is basic and polar, at codon 34431 of the TTN protein (p.Thr34431Arg). This variant is not present in population databases (gnomAD no frequency). This variant has not been reported in the literature in individuals affected with TTN-related conditions. ClinVar contains an entry for this variant (Variation ID: 838393). Experimental studies and prediction algorithms are not available or were not evaluated, and the functional significance of this variant is currently unknown. This variant is located in the M band of TTN (PMID: 25589632). Non-truncating variants in this region may be relevant for neuromuscular disorders, but have not been definitively shown to cause cardiomyopathy (PMID: 23975875). In summary, the available evidence is currently insufficient to determine the role of this variant in disease. Therefore, it has been classified as a Variant of Uncertain Significance.

Literature cited by the submitters: PubMed 25589632; PubMed 23975875.

NM_001267550.2(TTN):c.103292C>G (p.Thr34431Arg)

Genes: TTN-AS1 (TTN antisense RNA 1; plus strand), TTN (titin; minus strand). Cytogenetic location: 2q31.2.
Variant type: single nucleotide variant.
Coding change: c.103292C>G on transcript NM_001267550.2 (MANE Select); coding-DNA position 103292, C replaced by G.
Protein change: p.Thr34431Arg; replaces threonine 34431 with arginine.
Molecular consequence: missense variant.
Genome position (GRCh38, 1-based): chr2:178,533,323, G>C on the plus strand (C>G on the coding strand, the complement: TTN is on the minus strand). VCF-style: chr2-178533323-G-C. GRCh37 (hg19) VCF-style: chr2-179398050-G-C.
Other names: c.98369C>G, p.Thr32790Arg (NM_001256850.1); c.76097C>G, p.Thr25366Arg (NM_003319.4); c.95588C>G, p.Thr31863Arg (NM_133378.4); c.76472C>G, p.Thr25491Arg (NM_133432.3); c.76673C>G, p.Thr25558Arg (NM_133437.4); short protein forms T32790R, T34431R, T31863R, T25558R, T25366R, T25491R.
Identifiers: ClinVar variation 838393 (VCV000838393.9), dbSNP rs192001910, ClinGen allele CA349414591.